The following is an entry in ClinVar:

ClinVar aggregate classification (germline): Pathogenic. Review status: criteria provided, multiple submitters, no conflicts (2 of 4 stars). 6 submissions from 6 submitters: Pathogenic (3). 3 of the submissions do not count toward it. Last evaluated 2026-04-07.

Conditions:
Mirror movements 1 (MRMV1). Identifiers: Orphanet 238722, MedGen C1834870, OMIM 157600, MONDO:0008002.
Mirror movements 1 and/or agenesis of the corpus callosum. Identifiers: MedGen CN322311, MONDO:0100515.
DCC-related disorder. Also called: DCC-related condition.
Corpus callosum, agenesis of. Also called: Isolated corpus callosum agenesis; Corpus callosum agenesis; Mental retardation hypoplastic corpus callosum preauricular tag; Da silva syndrome; Agenesis of the corpus callosum. Identifiers: Orphanet 200, MedGen C0175754, MONDO:0009022, OMIM 217990, HP:0001274.

gnomAD v4.1: 4 of 1,613,174 alleles (0.00025%); highest among the groups gnomAD compares: Non-Finnish European, 0.00034%; no homozygotes.

Submissions (6):

PreventionGenetics, part of Exact Sciences
Classification: Pathogenic for DCC-related condition. Last evaluated: 2026-04-07. Review status: criteria provided, single submitter. Criteria: ACMG Guidelines, 2015. Collection method: clinical testing. Allele origin: germline.
Comment: The DCC c.823C>T variant is predicted to result in premature protein termination (p.Arg275*). This variant has been reported in the heterozygous state in individuals with mirror movements and/or agenesis of the corpus callosum, and it has been shown to co‑segregate with the disease, with incomplete penetrance, in reported families (see, for example, supplemental table 1, Méneret et al. 2014. PubMed ID: 24808016; supplementary table 4, Marsh et al. 2017. PubMed ID: 28250454). This variant has not been reported in a large population database (gnomAD), indicating this variant is rare. Nonsense variants in DCC are expected to be pathogenic. This variant is interpreted as pathogenic.

GeneDx
Classification: Pathogenic. Last evaluated: 2024-12-20. Review status: criteria provided, single submitter. Criteria: GeneDx Variant Classification Process June 2021. Collection method: clinical testing. Allele origin: germline. Affected: yes.
Comment: Reported in association with congenital mirror movements, though it is unclear if these publications describe the same family or two different families (PMID: 24808016, 26011025); Nonsense variant predicted to result in protein truncation or nonsense mediated decay in a gene for which loss-of-function is a known mechanism of disease; Not observed at significant frequency in large population cohorts (gnomAD); This variant is associated with the following publications: (PMID: 26011025, 31697046, 28250454, 24808016)

CeGaT Center for Human Genetics Tuebingen
Classification: Pathogenic. Last evaluated: 2024-04-01. Review status: criteria provided, single submitter. Criteria: CeGaT Center For Human Genetics Tuebingen Variant Classification Criteria Version 2. Collection method: clinical testing. Allele origin: germline. Affected: yes. Observed: 1 variant allele.
Comment: DCC: PVS1, PS2, PM2, PS4:Moderate

Neurogenetics Research; Murdoch Childrens Research Institute
Classification: Pathogenic for Corpus callosum, agenesis of. Last evaluated: 2016-01-01. Review status: no assertion criteria provided. Collection method: research. Allele origin: germline. Affected: yes. Not counted in ClinVar's aggregate classification.
Comment: Mutations in DCC can cause either agenesis of the corpus callosum, mirror movements or both phenotypes

OMIM
Classification: Pathogenic for MIRROR MOVEMENTS 1 AND/OR AGENESIS OF THE CORPUS CALLOSUM. Last evaluated: 2014-06-03. Review status: no assertion criteria provided. Collection method: literature only. Allele origin: germline. Not counted in ClinVar's aggregate classification.

GeneReviews
No classification provided. Condition: Mirror movements 1. Review status: no classification provided. Collection method: literature only. Allele origin: germline. Affected: yes. Not counted in ClinVar's aggregate classification.

Literature cited by the submitters: PubMed 28250454 (cited by OMIM); PubMed 24808016 (cited by OMIM and GeneReviews); NCBI Bookshelf NBK279760 (cited by GeneReviews).

NM_005215.4(DCC):c.823C>T (p.Arg275Ter)

Gene: DCC (DCC netrin 1 receptor; plus strand). Cytogenetic location: 18q21.2.
Variant type: single nucleotide variant.
Coding change: c.823C>T on transcript NM_005215.4 (MANE Select); coding-DNA position 823, C replaced by T.
Protein change: p.Arg275Ter; replaces arginine 275 with a stop codon.
Molecular consequence: nonsense.
Genome position (GRCh38, 1-based): chr18:52,923,832, C>T. VCF-style: chr18-52923832-C-T. GRCh37 (hg19) VCF-style: chr18-50450202-C-T.
Other names: short protein forms R275*.
Identifiers: ClinVar variation 187796 (VCV000187796.25), dbSNP rs754914260, ClinGen allele CA347159.